The following is an entry in ClinVar:

NM_001256789.3(CACNA1F):c.2672A>T (p.His891Leu)

Gene: CACNA1F (calcium voltage-gated channel subunit alpha1 F; minus strand). Cytogenetic location: Xp11.23.
Variant type: single nucleotide variant.
Coding change: c.2672A>T on transcript NM_001256789.3 (MANE Select); coding-DNA position 2672, A replaced by T.
Protein change: p.His891Leu; replaces histidine 891 with leucine.
Molecular consequence: missense variant.
Genome position (GRCh38, 1-based): chrX:49,219,322, T>A on the plus strand (A>T on the coding strand, the complement: CACNA1F is on the minus strand). VCF-style: chrX-49219322-T-A. GRCh37 (hg19) VCF-style: chrX-49075781-T-A.
Other names: c.2510A>T, p.His837Leu (NM_001256790.3); c.2705A>T, p.His902Leu (NM_005183.4); short protein forms H837L, H891L, H902L.
Identifiers: ClinVar variation 1800624 (VCV001800624.1), dbSNP rs2520924775, ClinGen allele CA412965159.

ClinVar aggregate classification (germline): Uncertain significance (1 of 4 stars; one submission).

Submission:

GeneDx
Classification: Uncertain significance. Last evaluated: 2022-05-19. Review status: criteria provided, single submitter. Criteria: GeneDx Variant Classification Process June 2021. Collection method: clinical testing. Allele origin: germline. Affected: yes.
Comment: Not observed at significant frequency in large population cohorts (gnomAD); In silico analysis supports that this missense variant has a deleterious effect on protein structure/function; Has not been previously published as pathogenic or benign to our knowledge